The following is an entry in ClinVar:

ClinVar aggregate classification (germline): Uncertain significance (1 of 4 stars; one submission).

Submission:

GeneDx
Classification: Uncertain significance. Last evaluated: 2026-01-29. Review status: criteria provided, single submitter. Criteria: GeneDx Variant Classification Process June 2021. Collection method: clinical testing. Allele origin: germline.
Comment: Not observed at significant frequency in large population cohorts (gnomAD); In silico analysis suggests that this missense variant does not alter protein structure/function; Has not been previously published as pathogenic or benign to our knowledge

NM_138615.3(DHX30):c.3247A>G (p.Asn1083Asp)

Gene: DHX30 (DExH-box helicase 30; plus strand). Cytogenetic location: 3p21.31.
Variant type: single nucleotide variant.
Coding change: c.3247A>G on transcript NM_138615.3 (MANE Select); coding-DNA position 3247, A replaced by G.
Protein change: p.Asn1083Asp; replaces asparagine 1083 with aspartic acid.
Molecular consequence: missense variant.
Genome position (GRCh38, 1-based): chr3:47,849,685, A>G. VCF-style: chr3-47849685-A-G. GRCh37 (hg19) VCF-style: chr3-47891175-A-G.
Other names: c.3163A>G, p.Asn1055Asp (NM_001330990.2); c.3130A>G, p.Asn1044Asp (NM_014966.4); short protein forms N1044D, N1055D, N1083D.
Identifiers: ClinVar variation 4891469 (VCV004891469.1).